The following is an entry in ClinVar:

NM_014141.6(CNTNAP2):c.3517C>A (p.Pro1173Thr)

Gene: CNTNAP2 (contactin associated protein 2; plus strand). Cytogenetic location: 7q36.1.
Variant type: single nucleotide variant.
Coding change: c.3517C>A on transcript NM_014141.6 (MANE Select); coding-DNA position 3517, C replaced by A.
Protein change: p.Pro1173Thr; replaces proline 1173 with threonine.
Molecular consequence: missense variant.
Genome position (GRCh38, 1-based): chr7:148,383,690, C>A. VCF-style: chr7-148383690-C-A. GRCh37 (hg19) VCF-style: chr7-148080782-C-A.
Other names: short protein forms P1173T.
Identifiers: ClinVar variation 568164 (VCV000568164.9), dbSNP rs772569737, ClinGen allele CA4546690.

ClinVar aggregate classification (germline): Uncertain significance. Review status: criteria provided, multiple submitters, no conflicts (2 of 4 stars). 2 submissions from 2 submitters: Uncertain significance (2). Last evaluated 2021-09-01.

Conditions:
Inborn genetic diseases. Identifiers: MedGen C0950123, MeSH D030342.
Cortical dysplasia-focal epilepsy syndrome (PTHSL1). Also called: Pitt-Hopkins-like syndrome 1. Identifiers: Orphanet 163681, Orphanet 221150, MedGen C2750246, MONDO:0012400, OMIM 610042.

Allele frequency attached by ClinVar (database versions not stated): gnomAD exomes 0.00001 and 0.00003; ExAC 0.00002; gnomAD 0.00002; TOPMed 0.00004.
gnomAD v4.1: 21 of 1,614,072 alleles (0.0013%); highest among the groups gnomAD compares: East Asian, 0.047%; no homozygotes.

Submissions (2):

Labcorp Genetics (formerly Invitae), Labcorp
Classification: Uncertain significance for Cortical dysplasia-focal epilepsy syndrome. Last evaluated: 2021-09-01. Review status: criteria provided, single submitter. Criteria: Invitae Variant Classification Sherloc (09022015). Collection method: clinical testing. Allele origin: germline.
Comment: This sequence change replaces proline with threonine at codon 1173 of the CNTNAP2 protein (p.Pro1173Thr). The proline residue is highly conserved and there is a small physicochemical difference between proline and threonine. This variant is present in population databases (rs772569737, ExAC 0.03%). This variant has not been reported in the literature in individuals affected with CNTNAP2-related conditions. Algorithms developed to predict the effect of missense changes on protein structure and function are either unavailable or do not agree on the potential impact of this missense change (SIFT: "Deleterious"; PolyPhen-2: "Benign"; Align-GVGD: "Class C0"). In summary, the available evidence is currently insufficient to determine the role of this variant in disease. Therefore, it has been classified as a Variant of Uncertain Significance.

Ambry Genetics
Classification: Uncertain significance for Inborn genetic diseases. Last evaluated: 2018-01-17. Review status: criteria provided, single submitter. Criteria: Ambry Variant Classification Scheme 2023. Collection method: clinical testing. Allele origin: germline.
Comment: The p.P1173T variant (also known as c.3517C>A), located in coding exon 22 of the CNTNAP2 gene, results from a C to A substitution at nucleotide position 3517. The proline at codon 1173 is replaced by threonine, an amino acid with highly similar properties. This amino acid position is highly conserved in available vertebrate species. In addition, the in silico prediction for this alteration is inconclusive. Since supporting evidence is limited at this time, the clinical significance of this alteration remains unclear.